The following is an entry in ClinVar:

NM_003482.4(KMT2D):c.5124A>G (p.Thr1708=)

Gene: KMT2D (lysine methyltransferase 2D; minus strand). Cytogenetic location: 12q13.12.
Variant type: single nucleotide variant.
Coding change: c.5124A>G on transcript NM_003482.4 (MANE Select); coding-DNA position 5124, A replaced by G.
Protein change: p.Thr1708=; no amino-acid change (threonine 1708 retained).
Molecular consequence: synonymous variant.
Genome position (GRCh38, 1-based): chr12:49,044,264, T>C on the plus strand (A>G on the coding strand, the complement: KMT2D is on the minus strand). VCF-style: chr12-49044264-T-C. GRCh37 (hg19) VCF-style: chr12-49438047-T-C.
Identifiers: ClinVar variation 94225 (VCV000094225.35), dbSNP rs374724784, ClinGen allele CA222086.
Genomic context (GRCh38, chr12:49,044,264, plus strand): 5'-GTCGGGCTGCCCATCCCCACTCAACACCTCCGCCTGTGCAGCAGGCCCCTTTTTCGTGCG[T>C]GTGTGGGATTTCCGCTGTCGCACCATGAAACCACCAATGCCTATGAGGAGGCAGAGTTGT-3'
Protein context (NP_003473.3, residues 1698-1718): GFMVRQRKSH[Thr1708=]RTKKGPAAQA

ClinVar aggregate classification (germline): Conflicting classifications of pathogenicity. Review status: criteria provided, conflicting classifications (1 of 4 stars). 4 submissions from 4 submitters: Uncertain significance (1); Benign (1); Likely benign (1). 1 of the submissions does not count toward it. Last evaluated 2025-11-27.

Conditions:
KMT2D-related disorder. Also called: KMT2D-Related Disorders.
Kabuki syndrome. Also called: NIIKAWA-KUROKI SYNDROME; Kabuki make-up syndrome. Identifiers: Orphanet 2322, MedGen C0796004, MONDO:0016512.

Allele frequency attached by ClinVar (database versions not stated): gnomAD exomes 0.00002 and 0.00004; ExAC 0.00008; gnomAD 0.00027 and 0.00031; ESP Exome Variant Server 0.00031; TOPMed 0.00031.
gnomAD v4.1: 72 of 1,613,138 alleles (0.0045%); highest among the groups gnomAD compares: African/African-American, 0.084%; no homozygotes.

Submissions (4):

Labcorp Genetics (formerly Invitae), Labcorp
Classification: Benign for Kabuki syndrome. Last evaluated: 2025-11-27. Review status: criteria provided, single submitter. Criteria: Invitae Variant Classification Sherloc (09022015). Collection method: clinical testing. Allele origin: germline.

CeGaT Center for Human Genetics Tuebingen
Classification: Likely benign. Last evaluated: 2025-07-01. Review status: criteria provided, single submitter. Criteria: CeGaT Center For Human Genetics Tuebingen Variant Classification Criteria Version 2. Collection method: clinical testing. Allele origin: germline. Affected: yes. Observed: 2 variant alleles.
Comment: KMT2D: BP4, BP7

Eurofins Ntd Llc (ga)
Classification: Uncertain significance. Last evaluated: 2013-01-29. Review status: criteria provided, single submitter. Criteria: EGL Classification Definitions 2015. Collection method: clinical testing. Allele origin: germline. Observed: 1 variant allele, 1 heterozygote.

PreventionGenetics, part of Exact Sciences
Classification: Likely benign for KMT2D-related condition. Last evaluated: 2021-05-04. Review status: no assertion criteria provided. Collection method: clinical testing. Allele origin: germline. Not counted in ClinVar's aggregate classification.
Comment: This variant is classified as likely benign based on ACMG/AMP sequence variant interpretation guidelines (Richards et al. 2015 PMID: 25741868, with internal and published modifications).